The following is an entry in ClinVar:

ClinVar aggregate classification (germline): Uncertain significance. Review status: criteria provided, multiple submitters, no conflicts (2 of 4 stars). 2 submissions from 2 submitters: Uncertain significance (2). Last evaluated 2025-08-05.

Conditions:
Familial meningioma. Also called: Meningioma, familial, susceptibility to. Identifiers: Orphanet 263662, MedGen C3551915, MONDO:0011789, OMIM 607174.

gnomAD v4.1: 3,970 of 1,591,096 alleles (0.25%); highest among the groups gnomAD compares: Non-Finnish European, 0.33%; 6 homozygotes.

Submissions (2):

Ambry Genetics
Classification: Uncertain significance. Last evaluated: 2025-08-05. Review status: criteria provided, single submitter. Criteria: Ambry Variant Classification Scheme 2023. Collection method: clinical testing. Allele origin: germline.

Dr. Guy Rouleau's laboratory, McGill University
Classification: Uncertain significance for Familial meningioma. Last evaluated: 2025-03-22. Review status: criteria provided, single submitter. Criteria: ACMG Guidelines, 2015. Collection method: research. Allele origin: germline. Affected: yes.
Comment: This missense variant located at the position 795, is change from Serine (S), neutral and polar amino acid to Tyrosine (Y) an aromatic amino acid in TNRC6A gene. This variant has been reported in population database (gnomAD v2.1.1 allele frequency =0.001369, exome coverage 38X). Based on the available evidence, the clinical significance of this variant is unknown.

NM_014494.4(TNRC6A):c.2384C>A (p.Ser795Tyr)

Gene: TNRC6A (trinucleotide repeat containing adaptor 6A; plus strand). Cytogenetic location: 16p12.1.
Variant type: single nucleotide variant.
Coding change: c.2384C>A on transcript NM_014494.4 (MANE Select); coding-DNA position 2384, C replaced by A.
Protein change: p.Ser795Tyr; replaces serine 795 with tyrosine.
Molecular consequence: missense variant.
Genome position (GRCh38, 1-based): chr16:24,791,026, C>A. VCF-style: chr16-24791026-C-A. GRCh37 (hg19) VCF-style: chr16-24802347-C-A.
Other names: c.2384C>A (NM_014494.2); c.2384C>A, p.Ser795Tyr (NM_001330520.3); c.2411C>A, p.Ser804Tyr (NM_001351850.2); short protein forms S795Y, S804Y.
Identifiers: ClinVar variation 3774542 (VCV003774542.2).